The following is an entry in ClinVar:

Conditions:
Breast-ovarian cancer, familial, susceptibility to, 1 (BROVCA1). Also called: BRCA1 Hereditary Breast and Ovarian Cancer; OVARIAN CANCER, SUSCEPTIBILITY TO. Identifiers: Orphanet 145, MedGen C2676676, MONDO:0011450, OMIM 604370. Disease mechanism: loss of function.

Submission:

Brotman Baty Institute, University of Washington
No classification provided (evidence only). Condition: Breast-ovarian cancer, familial 1. Review status: no classification provided. Collection method: in vitro. Allele origin: not applicable. Functional consequence: functionally_normal.
ClinVar note: "not provided" was previously submitted as the classification for the variant. However, the classification appeared to be based only on an observation of functional data so it was converted to no classification on 2025-07-30.

NM_007294.4(BRCA1):c.246T>G (p.Leu82=)

Gene: BRCA1 (BRCA1 DNA repair associated; minus strand). Cytogenetic location: 17q21.31.
Variant type: single nucleotide variant.
Coding change: c.246T>G on transcript NM_007294.4 (MANE Select); coding-DNA position 246, T replaced by G.
Protein change: p.Leu82=; no amino-acid change (leucine 82 retained).
Molecular consequence: synonymous variant. On other transcripts: 5 prime UTR variant (7), intron variant (2).
Genome position (GRCh38, 1-based): chr17:43,104,923, A>C on the plus strand (T>G on the coding strand, the complement: BRCA1 is on the minus strand). VCF-style: chr17-43104923-A-C. GRCh37 (hg19) VCF-style: chr17-41256940-A-C.
Other names: c.246T>G, p.Leu82= (NM_001408418.1, NM_001408419.1, NM_001408420.1 and 168 more transcripts); c.114T>G, p.Leu38= (NM_001408451.1); c.105T>G, p.Leu35= (NM_001408452.1, NM_001408453.1, NM_001408454.1 and 99 more transcripts); c.168T>G, p.Leu56= (NM_001408474.1, NM_001408475.1, NM_001408476.1 and 21 more transcripts); c.36T>G, p.Leu12= (NM_001408478.1, NM_001408479.1, NM_001408480.1 and 58 more transcripts); c.-136T>G (NM_001408510.1, NM_001408512.1, NM_001407959.1 and 4 more transcripts); c.-218-10063T>G (NM_001407967.1, NM_001407966.1).
Identifiers: ClinVar variation 867374 (VCV000867374.3), dbSNP rs2054687485, ClinGen allele CA500127601.